The following is an entry in ClinVar:

ClinVar aggregate classification (germline): Uncertain significance. Review status: criteria provided, multiple submitters, no conflicts (2 of 4 stars). 3 submissions from 3 submitters: Uncertain significance (3). Last evaluated 2022-08-09.

Conditions:
Autosomal recessive ataxia, Beauce type. Also called: Spinocerebellar ataxia, autosomal recessive 8; ATAXIA, RECESSIVE, OF BEAUCE; SYNE1 Deficiency; SYNE1-Related Autosomal Recessive Cerebellar Ataxia. Identifiers: Orphanet 88644, MedGen C1853116, MONDO:0012549, OMIM 610743.
Emery-Dreifuss muscular dystrophy 4, autosomal dominant (EDMD4). Also called: EMERY-DREIFUSS MUSCULAR DYSTROPHY 4 WITH VARIABLE FEATURES. Identifiers: Orphanet 261, MedGen C2751807, MONDO:0013071, OMIM 612998.

Allele frequency attached by ClinVar (database versions not stated): gnomAD exomes below 0.00001; gnomAD 0.00001; TOPMed 0.00001.
gnomAD v4.1: 4 of 1,613,728 alleles (0.00025%); highest among the groups gnomAD compares: Non-Finnish European, 0.00034%; no homozygotes.

Submissions (3):

Labcorp Genetics (formerly Invitae), Labcorp
Classification: Uncertain significance for Emery-Dreifuss muscular dystrophy 4, autosomal dominant; Autosomal recessive ataxia, Beauce type. Last evaluated: 2022-08-09. Review status: criteria provided, single submitter. Criteria: Invitae Variant Classification Sherloc (09022015). Collection method: clinical testing. Allele origin: germline.
Comment: In summary, the available evidence is currently insufficient to determine the role of this variant in disease. Therefore, it has been classified as a Variant of Uncertain Significance. Variants that disrupt the consensus splice site are a relatively common cause of aberrant splicing (PMID: 17576681, 9536098). Algorithms developed to predict the effect of sequence changes on RNA splicing suggest that this variant is not likely to affect RNA splicing. ClinVar contains an entry for this variant (Variation ID: 288946). This variant has not been reported in the literature in individuals affected with SYNE1-related conditions. This variant is present in population databases (no rsID available, gnomAD 0.002%). This sequence change falls in intron 97 of the SYNE1 gene. It does not directly change the encoded amino acid sequence of the SYNE1 protein. It affects a nucleotide within the consensus splice site.

Revvity Omics, Revvity
Classification: Uncertain significance. Last evaluated: 2021-05-26. Review status: criteria provided, single submitter. Criteria: ACMG Guidelines, 2015. Collection method: clinical testing. Allele origin: germline.

Eurofins Ntd Llc (ga)
Classification: Uncertain significance. Last evaluated: 2016-06-23. Review status: criteria provided, single submitter. Criteria: EGL Classification Definitions 2015. Collection method: clinical testing. Allele origin: germline. Observed: 1 variant allele, 1 heterozygote.

Literature cited by the submitters: PubMed 17576681 (cited by Labcorp Genetics (formerly Invitae), Labcorp); PubMed 9536098 (cited by Labcorp Genetics (formerly Invitae), Labcorp).

NM_182961.4(SYNE1):c.18573+3G>A

Gene: SYNE1 (spectrin repeat containing nuclear envelope protein 1; minus strand). Cytogenetic location: 6q25.2.
Variant type: single nucleotide variant.
Coding change: c.18573+3G>A on transcript NM_182961.4 (MANE Select); 3 bases into the intron after coding-DNA position 18573, G replaced by A.
Molecular consequence: intron variant.
Genome position (GRCh38, 1-based): chr6:152,278,086, C>T on the plus strand (G>A on the coding strand, the complement: SYNE1 is on the minus strand). VCF-style: chr6-152278086-C-T. GRCh37 (hg19) VCF-style: chr6-152599221-C-T.
Other names: c.18360+3G>A (NM_033071.3, NM_033071.5).
Identifiers: ClinVar variation 288946 (VCV000288946.14), dbSNP rs886044046, ClinGen allele CA10606273.